The following is an entry in ClinVar:

ClinVar aggregate classification (germline): Uncertain significance. Review status: criteria provided, multiple submitters, no conflicts (2 of 4 stars). 3 submissions from 3 submitters: Uncertain significance (3). Last evaluated 2024-08-05.

Conditions:
Hermansky-Pudlak syndrome 2 (HPS2). Also called: Platelet defects and oculocutaneous albinism. Identifiers: Orphanet 183678, Orphanet 79430, MedGen C1842362, MONDO:0011997, OMIM 608233.
Inborn genetic diseases. Identifiers: MedGen C0950123, MeSH D030342.

Allele frequency attached by ClinVar (database versions not stated): gnomAD exomes below 0.00001; ExAC 0.00001.
gnomAD v4.1: 4 of 1,612,242 alleles (0.00025%); highest among the groups gnomAD compares: South Asian, 0.0022%; no homozygotes.

Submissions (3):

Ambry Genetics
Classification: Uncertain significance for Inborn genetic diseases. Last evaluated: 2024-08-05. Review status: criteria provided, single submitter. Criteria: Ambry Variant Classification Scheme 2023. Collection method: clinical testing. Allele origin: germline.

Labcorp Genetics (formerly Invitae), Labcorp
Classification: Uncertain significance for Hermansky-Pudlak syndrome 2. Last evaluated: 2022-11-27. Review status: criteria provided, single submitter. Criteria: Invitae Variant Classification Sherloc (09022015). Collection method: clinical testing. Allele origin: germline.
Comment: In summary, the available evidence is currently insufficient to determine the role of this variant in disease. Therefore, it has been classified as a Variant of Uncertain Significance. Algorithms developed to predict the effect of missense changes on protein structure and function are either unavailable or do not agree on the potential impact of this missense change (SIFT: "Deleterious"; PolyPhen-2: "Possibly Damaging"; Align-GVGD: "Class C0"). ClinVar contains an entry for this variant (Variation ID: 1420362). This variant has not been reported in the literature in individuals affected with AP3B1-related conditions. This variant is present in population databases (rs748322548, gnomAD 0.003%). This sequence change replaces serine, which is neutral and polar, with glycine, which is neutral and non-polar, at codon 89 of the AP3B1 protein (p.Ser89Gly).

Blueprint Genetics
Classification: Uncertain significance. Last evaluated: 2021-09-02. Review status: criteria provided, single submitter. Criteria: ACMG Guidelines, 2015. Collection method: clinical testing. Allele origin: germline.

NM_003664.5(AP3B1):c.265A>G (p.Ser89Gly)

Gene: AP3B1 (adaptor related protein complex 3 subunit beta 1; minus strand). Cytogenetic location: 5q14.1.
Variant type: single nucleotide variant.
Coding change: c.265A>G on transcript NM_003664.5 (MANE Select); coding-DNA position 265, A replaced by G.
Protein change: p.Ser89Gly; replaces serine 89 with glycine.
Molecular consequence: missense variant.
Genome position (GRCh38, 1-based): chr5:78,240,876, T>C on the plus strand (A>G on the coding strand, the complement: AP3B1 is on the minus strand). VCF-style: chr5-78240876-T-C. GRCh37 (hg19) VCF-style: chr5-77536700-T-C.
Other names: c.265A>G (NM_003664.3); c.118A>G, p.Ser40Gly (NM_001271769.2); short protein forms S89G, S40G.
Identifiers: ClinVar variation 1420362 (VCV001420362.9), dbSNP rs748322548, ClinGen allele CA3317422.